The following is an entry in ClinVar:

NM_001009944.3(PKD1):c.7210-7C>T

Genes: MIR6511B1 (microRNA 6511b-1; minus strand), PKD1 (polycystin 1, transient receptor potential channel interacting; minus strand). Cytogenetic location: 16p13.3.
Variant type: single nucleotide variant.
Coding change: c.7210-7C>T on transcript NM_001009944.3 (MANE Select); 7 bases into the intron before coding-DNA position 7210, C replaced by T.
Molecular consequence: intron variant. On other transcripts: non-coding transcript variant (1).
Genome position (GRCh38, 1-based): chr16:2,106,684, G>A on the plus strand (C>T on the coding strand, the complement: PKD1 is on the minus strand). VCF-style: chr16-2106684-G-A. GRCh37 (hg19) VCF-style: chr16-2156685-G-A.
Other names: c.7210-7C>T (NM_000296.4).
Identifiers: ClinVar variation 586295 (VCV000586295.3), dbSNP rs370411414, ClinGen allele CA7831222.

ClinVar aggregate classification (germline): Conflicting classifications of pathogenicity. Review status: criteria provided, conflicting classifications (1 of 4 stars). 2 submissions from 2 submitters: Uncertain significance (1); Benign (1). Last evaluated 2018-10-15.

Conditions:
Polycystic kidney disease, adult type (PKD1). Also called: Polycystic Kidney Disease 1, Autosomal Dominant; Polycystic kidney disease 1; Polycystic kidney disease 1, severe; POLYCYSTIC KIDNEY DISEASE 1 WITH OR WITHOUT POLYCYSTIC LIVER DISEASE; Polycystic Kidney, Autosomal Dominant; POLYCYSTIC KIDNEY DISEASE, ADULT, TYPE I. Identifiers: MedGen C3149841, MONDO:0008263, OMIM 173900.

Allele frequency attached by ClinVar (database versions not stated): gnomAD exomes 0.00009 and 0.00019; ExAC 0.00030; ESP Exome Variant Server 0.00056; gnomAD 0.00089 and 0.00091; TOPMed 0.00094; 1000 Genomes Project 0.00120; 1000 Genomes Project 30x 0.00125.
gnomAD v4.1: 263 of 1,592,510 alleles (0.017%); highest among the groups gnomAD compares: African/African-American, 0.29%; no homozygotes.

Submissions (2):

Baylor Genetics
Classification: Uncertain significance for Polycystic kidney disease, adult type. Last evaluated: 2018-10-15. Review status: criteria provided, single submitter. Criteria: ACMG Guidelines, 2015. Collection method: clinical testing. Allele origin: paternal. Affected: yes.
Comment: This variant was determined to be of uncertain significance according to ACMG Guidelines, 2015 [PMID:25741868].

Athena Diagnostics
Classification: Benign. Last evaluated: 2017-11-01. Review status: criteria provided, single submitter. Criteria: Athena Diagnostics Criteria. Collection method: clinical testing. Allele origin: germline.